The following is an entry in ClinVar:

ClinVar aggregate classification (germline): Uncertain significance (1 of 4 stars; one submission).

Allele frequency attached by ClinVar (database versions not stated): gnomAD exomes 0.00001.

Submission:

Labcorp Genetics (formerly Invitae), Labcorp
Classification: Uncertain significance. Last evaluated: 2022-12-05. Review status: criteria provided, single submitter. Criteria: Invitae Variant Classification Sherloc (09022015). Collection method: clinical testing. Allele origin: germline.
Comment: In summary, the available evidence is currently insufficient to determine the role of this variant in disease. Therefore, it has been classified as a Variant of Uncertain Significance. Experimental studies and prediction algorithms are not available or were not evaluated, and the functional significance of this variant is currently unknown. This variant has not been reported in the literature in individuals affected with MCM2-related conditions. This variant is not present in population databases (gnomAD no frequency). This variant, c.1342_1344del, results in the deletion of 1 amino acid(s) of the MCM2 protein (p.Asp448del), but otherwise preserves the integrity of the reading frame.

NM_004526.4(MCM2):c.1342_1344del (p.Asp448del)

Gene: MCM2 (minichromosome maintenance complex component 2; plus strand). Cytogenetic location: 3q21.3.
Variant type: Deletion.
Coding change: c.1342_1344del on transcript NM_004526.4 (MANE Select); coding-DNA positions 1342 to 1344, 3 bases deleted (GAC; older notation c.1342_1344delGAC).
Protein change: p.Asp448del; deletes aspartic acid 448.
Molecular consequence: inframe deletion. On other transcripts: non-coding transcript variant (1).
Genome position (GRCh38, 1-based): chr3:127,608,937-127,608,939, GAC deleted. VCF-style (leftmost placement, unchanged base first): chr3-127608936-GGAC-G. GRCh37 (hg19) VCF-style: chr3-127327779-GGAC-G.
Other names: short protein forms D448del.
Identifiers: ClinVar variation 2893577 (VCV002893577.3), dbSNP rs2473285814, ClinGen allele CA2667497751.
Genomic context (GRCh38, chr3:127,608,936, plus strand): 5'-CACTGCCAATGGCTTCCCTGTCTTTGCCACTGTCATCCTAGCCAACCACGTGGCCAAGAA[GGAC>G]AACAAGGTTGCTGTAGGGGAACTGACCGATGAAGATGTGAAGATGATCACTAGCCTCTCC-3'